The following is an entry in ClinVar:

NM_001082486.2(ACD):c.-9G>T

Gene: ACD (ACD shelterin complex subunit and telomerase recruitment factor; minus strand). Cytogenetic location: 16q22.1.
Variant type: single nucleotide variant.
Coding change: c.-9G>T on transcript NM_001082486.2 (MANE Select); 9 bases upstream of the start codon, G replaced by T.
Molecular consequence: 5 prime UTR variant.
Genome position (GRCh38, 1-based): chr16:67,660,229, C>A on the plus strand (G>T on the coding strand, the complement: ACD is on the minus strand). VCF-style: chr16-67660229-C-A. GRCh37 (hg19) VCF-style: chr16-67694132-C-A.
Other names: c.-9G>T (NM_022914.3).
Identifiers: ClinVar variation 860923 (VCV000860923.12), dbSNP rs377247506, ClinGen allele CA8114851.

ClinVar aggregate classification (germline): Uncertain significance. Review status: criteria provided, multiple submitters, no conflicts (2 of 4 stars). 2 submissions from 2 submitters: Uncertain significance (2). Last evaluated 2025-10-26.

Conditions:
Inborn genetic diseases. Identifiers: MedGen C0950123, MeSH D030342.
Dyskeratosis congenita, autosomal dominant 6 (DKCA6). Identifiers: Orphanet 3322, MedGen C4225284, MONDO:0014690, OMIM 616553.

Allele frequency attached by ClinVar (database versions not stated): TOPMed 0.00002; ESP Exome Variant Server 0.00008.
gnomAD v4.1: 58 of 1,612,604 alleles (0.0036%); highest among the groups gnomAD compares: Middle Eastern, 0.016%; no homozygotes.

Submissions (2):

Labcorp Genetics (formerly Invitae), Labcorp
Classification: Uncertain significance for Dyskeratosis congenita, autosomal dominant 6. Last evaluated: 2025-10-26. Review status: criteria provided, single submitter. Criteria: Invitae Variant Classification Sherloc (09022015). Collection method: clinical testing. Allele origin: germline.
Comment: This sequence change replaces alanine, which is neutral and non-polar, with serine, which is neutral and polar, at codon 84 of the ACD protein (p.Ala84Ser). This variant is present in population databases (rs377247506, gnomAD 0.005%). This variant has not been reported in the literature in individuals affected with ACD-related conditions. ClinVar contains an entry for this variant (Variation ID: 860923). An algorithm developed to predict the effect of missense changes on protein structure and function (PolyPhen-2) suggests that this variant is likely to be tolerated. In summary, the available evidence is currently insufficient to determine the role of this variant in disease. Therefore, it has been classified as a Variant of Uncertain Significance.

Ambry Genetics
Classification: Uncertain significance for Inborn genetic diseases. Last evaluated: 2023-09-13. Review status: criteria provided, single submitter. Criteria: Ambry Variant Classification Scheme 2023. Collection method: clinical testing. Allele origin: germline.
Comment: The p.A84S variant (also known as c.250G>T), located in coding exon 1 of the ACD gene, results from a G to T substitution at nucleotide position 250. The alanine at codon 84 is replaced by serine, an amino acid with similar properties. This amino acid position is conserved. In addition, this alteration is predicted to be tolerated by in silico analysis. Since supporting evidence is limited at this time, the clinical significance of this alteration remains unclear.